The following is an entry in ClinVar:

ClinVar aggregate classification (germline): Conflicting classifications of pathogenicity. Review status: criteria provided, conflicting classifications (1 of 4 stars). 2 submissions from 2 submitters: Pathogenic (1); Uncertain significance (1). Last evaluated 2025-10-11.

Conditions:
Inborn genetic diseases. Identifiers: MedGen C0950123, MeSH D030342.

Allele frequency attached by ClinVar (database versions not stated): gnomAD 0.00001; ExAC 0.00002; gnomAD exomes 0.00002 and 0.00005; TOPMed 0.00002; ESP Exome Variant Server 0.00008.
gnomAD v4.1: 80 of 1,613,886 alleles (0.005%); highest among the groups gnomAD compares: Non-Finnish European, 0.0064%; no homozygotes.

Submissions (2):

Labcorp Genetics (formerly Invitae), Labcorp
Classification: Pathogenic. Last evaluated: 2025-10-11. Review status: criteria provided, single submitter. Criteria: Invitae Variant Classification Sherloc (09022015). Collection method: clinical testing. Allele origin: germline.
Comment: This sequence change replaces proline, which is neutral and non-polar, with arginine, which is basic and polar, at codon 27 of the TYRP1 protein (p.Pro27Arg). This variant is present in population databases (rs373327120, gnomAD 0.004%). This missense change has been observed in individual(s) with clinical features of oculocutaneous albinism (internal data). In at least one individual the data is consistent with being in trans (on the opposite chromosome) from a pathogenic variant. ClinVar contains an entry for this variant (Variation ID: 1411359). Invitae Evidence Modeling of protein sequence and biophysical properties (such as structural, functional, and spatial information, amino acid conservation, physicochemical variation, residue mobility, and thermodynamic stability) indicates that this missense variant is expected to disrupt TYRP1 protein function with a positive predictive value of 80%. For these reasons, this variant has been classified as Pathogenic.

Ambry Genetics
Classification: Uncertain significance for Inborn genetic diseases. Last evaluated: 2025-10-02. Review status: criteria provided, single submitter. Criteria: Ambry Variant Classification Scheme 2023. Collection method: clinical testing. Allele origin: germline.

NM_000550.3(TYRP1):c.80C>G (p.Pro27Arg)

Gene: TYRP1 (tyrosinase related protein 1; plus strand). Cytogenetic location: 9p23.
Variant type: single nucleotide variant.
Coding change: c.80C>G on transcript NM_000550.3 (MANE Select); coding-DNA position 80, C replaced by G.
Protein change: p.Pro27Arg; replaces proline 27 with arginine.
Molecular consequence: missense variant.
Genome position (GRCh38, 1-based): chr9:12,694,076, C>G. VCF-style: chr9-12694076-C-G. GRCh37 (hg19) VCF-style: chr9-12694076-C-G.
Other names: c.80C>G (NM_000550.2); short protein forms P27R.
Identifiers: ClinVar variation 1411359 (VCV001411359.10), dbSNP rs373327120, ClinGen allele CA4985103.
Genomic context (GRCh38, chr9:12,694,076, plus strand): 5'-TCTCTCTGGGCTGTATCTTCTTCCCCTTGCTACTTTTTCAGCAGGCCCGGGCTCAATTCC[C>G]AAGACAGTGTGCCACTGTTGAGGCTTTGAGAAGTGGTATGTGTTGCCCAGACCTGTCCCC-3'
Protein context (NP_000541.1, residues 17-37): LLFQQARAQF[Pro27Arg]RQCATVEALR